The following is an entry in ClinVar:

NM_000214.3(JAG1):c.372_373del (p.Phe124fs)

Gene: JAG1 (jagged canonical Notch ligand 1; minus strand). Cytogenetic location: 20p12.2.
Variant type: Deletion.
Coding change: c.372_373del on transcript NM_000214.3 (MANE Select); coding-DNA positions 372 to 373, 2 bases deleted (CA; older notation c.372_373delCA).
Protein change: p.Phe124fs; shifts the reading frame from phenylalanine 124.
Molecular consequence: frameshift variant.
Genome position (GRCh38, 1-based): chr20:10,672,715-10,672,716, TG deleted on the plus strand (CA on the coding strand, the reverse complement: JAG1 is on the minus strand). VCF-style (leftmost placement, unchanged base first): chr20-10672714-CTG-C. GRCh37 (hg19) VCF-style: chr20-10653362-CTG-C.
Other names: short protein forms F124fs.
Identifiers: ClinVar variation 4852225 (VCV004852225.1).

ClinVar aggregate classification (germline): Pathogenic (1 of 4 stars; one submission).

Conditions:
Alagille syndrome due to a JAG1 point mutation. Also called: HEPATIC DUCTULAR HYPOPLASIA, SYNDROMATIC; Alagille Syndrome 1; JAG1-Related Alagille Syndrome. Identifiers: Orphanet 261619, Orphanet 52, MedGen C1956125, MONDO:0016862, OMIM 118450.

Submission:

Variantyx, Inc.
Classification: Pathogenic for Alagille syndrome due to a JAG1 point mutation. Last evaluated: 2026-01-19. Review status: criteria provided, single submitter. Criteria: Variantyx Assertion Criteria 2022. Collection method: clinical testing. Allele origin: de novo. Inheritance: Autosomal dominant inheritance. Affected: yes.
Comment: This is a frameshift variant in the JAG1 gene (OMIM: 601920). Pathogenic variants in this gene have been associated with autosomal dominant Alagille syndrome 1. The alteration introduces a premature termination codon in exon 3 out of 26 and is expected to result in loss of function of JAG1, which is a known disease mechanism in this disorder (PMID: 11180599) (PVS1). This variant is absent from control populations (PM2) and it has not been previously reported in individuals with JAG1-related disorders in the databases available for review. Based on the current evidence, this variant is classified as pathogenic for autosomal dominant Alagille syndrome 1.

Literature cited by the submitters: PubMed 11180599.